The following is an entry in ClinVar:

NM_001378609.3(OTOGL):c.4746T>A (p.Asn1582Lys)

Gene: OTOGL (otogelin like; plus strand). Cytogenetic location: 12q21.31.
Variant type: single nucleotide variant.
Coding change: c.4746T>A on transcript NM_001378609.3 (MANE Select); coding-DNA position 4746, T replaced by A.
Protein change: p.Asn1582Lys; replaces asparagine 1582 with lysine.
Molecular consequence: missense variant.
Genome position (GRCh38, 1-based): chr12:80,336,799, T>A. VCF-style: chr12-80336799-T-A. GRCh37 (hg19) VCF-style: chr12-80730579-T-A.
Other names: c.4611T>A, p.Asn1537Lys (NM_001368062.3); c.4746T>A, p.Asn1582Lys (NM_001378610.3, NM_173591.7); short protein forms N1573K, N1537K, N1582K.
Identifiers: ClinVar variation 594798 (VCV000594798.14), dbSNP rs910949216, ClinGen allele CA240221145.
Genomic context (GRCh38, chr12:80,336,799, plus strand): 5'-AATAATGTTTTAAAAAGTCAAATAATGCATTTAAAAGTATTTCTTTTTTTTTTTCCAGAA[T>A]GGAAACTCCTTAAAAAAGCTAGTGAGTATTTGCAAAGTGTTTAGTACATTCATTCTGTTT-3'
Protein context (NP_001365538.2, residues 1572-1592): AHIEKCSMNQ[Asn1582Lys]GNSLKKLAPS

ClinVar aggregate classification (germline): Uncertain significance. Review status: criteria provided, multiple submitters, no conflicts (2 of 4 stars). 4 submissions from 4 submitters: Uncertain significance (4). Last evaluated 2026-09-08.

Conditions:
Inborn genetic diseases. Identifiers: MedGen C0950123, MeSH D030342.

Allele frequency attached by ClinVar (database versions not stated): gnomAD 0.00003; TOPMed 0.00009.

Submissions (4):

GeneDx
Classification: Uncertain significance. Last evaluated: 2026-09-08. Review status: criteria provided, single submitter. Criteria: GeneDx Variant Classification Process June 2021. Collection method: clinical testing. Allele origin: germline.
Comment: In silico analysis suggests that this missense variant does not alter protein structure/function; Has not been previously published as pathogenic or benign to our knowledge; In silico analysis suggests this variant may impact gene splicing. In the absence of RNA/functional studies, the actual effect of this sequence change is unknown.

Ambry Genetics
Classification: Uncertain significance for Inborn genetic diseases. Last evaluated: 2025-08-01. Review status: criteria provided, single submitter. Criteria: Ambry Variant Classification Scheme 2023. Collection method: clinical testing. Allele origin: germline.

Laboratory for Molecular Medicine, Mass General Brigham Personalized Medicine
Classification: Uncertain significance. Last evaluated: 2018-11-14. Review status: criteria provided, single submitter. Criteria: LMM Criteria. Collection method: clinical testing. Allele origin: germline. Observed: 1 variant allele.
Comment: The p.Asn1573Lys variant in OTOGL has not been previously reported in individual s with hearing loss, but has been identified in 0.009% (7/70632) of European ch romosomes by gnomAD. Computational prediction tools and conservation analysis suggest that this variant may not impact the pr otein, though this information is not predictive enough to rule out pathogenicit y. In summary, the clinical significance of this variant is uncertain. ACMG/AMP Criteria applied: BP4.

Eurofins Ntd Llc (ga)
Classification: Uncertain significance. Last evaluated: 2017-11-15. Review status: criteria provided, single submitter. Criteria: EGL Classification Definitions 2015. Collection method: clinical testing. Allele origin: germline. Observed: 1 variant allele, 1 heterozygote.